The following is an entry in ClinVar:

NM_001288833.2(GGT1):c.1641C>T (p.Ile547=)

Gene: GGT1 (gamma-glutamyltransferase 1; plus strand). Cytogenetic location: 22q11.23.
Variant type: single nucleotide variant.
Coding change: c.1641C>T on transcript NM_001288833.2 (MANE Select); coding-DNA position 1641, C replaced by T.
Protein change: p.Ile547=; no amino-acid change (isoleucine 547 retained).
Molecular consequence: synonymous variant.
Genome position (GRCh38, 1-based): chr22:24,628,770, C>T. VCF-style: chr22-24628770-C-T. GRCh37 (hg19) VCF-style: chr22-25024737-C-T.
Other names: c.1641C>T, p.Ile547= (NM_013421.3, NM_013430.3).
Identifiers: ClinVar variation 4822202 (VCV004822202.4).

ClinVar aggregate classification (germline): Likely benign (1 of 4 stars; one submission).

Submission:

CeGaT Center for Human Genetics Tuebingen
Classification: Likely benign. Last evaluated: 2026-03-01. Review status: criteria provided, single submitter. Criteria: CeGaT Center For Human Genetics Tuebingen Variant Classification Criteria Version 2. Collection method: clinical testing. Allele origin: germline. Affected: yes. Observed: 1 variant allele.
Comment: GGT1: BP4, BP7